The following is an entry in ClinVar:

ClinVar aggregate classification (germline): Likely pathogenic (1 of 4 stars; one submission).

Allele frequency attached by ClinVar (database versions not stated): ExAC 0.00002; gnomAD 0.00002; gnomAD exomes 0.00002 and 0.00008; TOPMed 0.00005.
gnomAD v4.1: 27 of 1,613,936 alleles (0.0017%); highest among the groups gnomAD compares: Admixed American, 0.043%; no homozygotes.

Submission:

Labcorp Genetics (formerly Invitae), Labcorp
Classification: Likely pathogenic. Last evaluated: 2018-02-05. Review status: criteria provided, single submitter. Criteria: Invitae Variant Classification Sherloc (09022015). Collection method: clinical testing. Allele origin: germline.
Comment: This sequence change affects a donor splice site in intron 7 of the NECTIN4 gene. It is expected to disrupt RNA splicing and likely results in an absent or disrupted protein product. This variant is present in population databases (rs771442826, ExAC 0.02%). This variant has not been reported in the literature in individuals with NECTIN4-related disease. Donor and acceptor splice site variants typically lead to a loss of protein function (PMID: 16199547), and loss-of-function variants in NECTIN4 are known to be pathogenic (PMID: 20691405, 25529316). In summary, the currently available evidence indicates that the variant is pathogenic, but additional data are needed to prove that conclusively. Therefore, this variant has been classified as Likely Pathogenic.

Literature cited by the submitters: PubMed 16199547; PubMed 20691405; PubMed 25529316.

NM_030916.3(NECTIN4):c.1233+1G>A

Gene: NECTIN4 (nectin cell adhesion molecule 4; minus strand). Cytogenetic location: 1q23.3.
Variant type: single nucleotide variant.
Coding change: c.1233+1G>A on transcript NM_030916.3 (MANE Select); the canonical splice donor site of the intron after coding-DNA position 1233, G replaced by A.
Molecular consequence: splice donor variant.
Genome position (GRCh38, 1-based): chr1:161,073,719, C>T on the plus strand (G>A on the coding strand, the complement: NECTIN4 is on the minus strand). VCF-style: chr1-161073719-C-T. GRCh37 (hg19) VCF-style: chr1-161043509-C-T.
Identifiers: ClinVar variation 1324796 (VCV001324796.3), dbSNP rs771442826, ClinGen allele CA1204882.